The following is an entry in ClinVar:

NC_000020.11:g.(?_63928326)_(63931588_?)del

Gene: DNAJC5 (DnaJ heat shock protein family (Hsp40) member C5; plus strand). Cytogenetic location: 20q13.33.
Variant type: Deletion.
Identifiers: ClinVar variation 831459 (VCV000831459.2).

ClinVar aggregate classification (germline): Uncertain significance (1 of 4 stars; one submission).

Conditions:
Neuronal ceroid lipofuscinosis. Also called: Neuronal Ceroid Lipofuscinoses. Identifiers: Orphanet 216, Orphanet 79263, MedGen C0027877, MONDO:0016295. Disease mechanism: loss of function.

Submission:

Labcorp Genetics (formerly Invitae), Labcorp
Classification: Uncertain significance for Neuronal ceroid lipofuscinosis. Last evaluated: 2019-11-24. Review status: criteria provided, single submitter. Criteria: Invitae Variant Classification Sherloc (09022015). Collection method: clinical testing. Allele origin: germline.
Comment: A gross deletion of the genomic region encompassing the full coding sequence of the DNAJC5 gene has been identified. The boundaries of this event are unknown as the deletion extends beyond the assayed region for this gene and therefore may encompass additional genes. This variant has not been reported in the literature in individuals with DNAJC5-related conditions. The current clinical and genetic evidence is not sufficient to establish whether loss-of-function variants in DNAJC5 cause disease. In summary, the available evidence is currently insufficient to determine the role of this variant in disease. Therefore, it has been classified as a Variant of Uncertain Significance.